The following is an entry in ClinVar:

NM_001012301.4(ARSI):c.848G>A (p.Arg283His)

Gene: ARSI (arylsulfatase family member I; minus strand). Cytogenetic location: 5q32.
Variant type: single nucleotide variant.
Coding change: c.848G>A on transcript NM_001012301.4 (MANE Select); coding-DNA position 848, G replaced by A.
Protein change: p.Arg283His; replaces arginine 283 with histidine.
Molecular consequence: missense variant.
Genome position (GRCh38, 1-based): chr5:150,298,076, C>T on the plus strand (G>A on the coding strand, the complement: ARSI is on the minus strand). VCF-style: chr5-150298076-C-T. GRCh37 (hg19) VCF-style: chr5-149677639-C-T.
Other names: short protein forms R283H.
Identifiers: ClinVar variation 959793 (VCV000959793.12), dbSNP rs149948064, ClinGen allele CA3510231.

ClinVar aggregate classification (germline): Uncertain significance. Review status: criteria provided, multiple submitters, no conflicts (2 of 4 stars). 2 submissions from 2 submitters: Uncertain significance (2). Last evaluated 2025-10-22.

Conditions:
Spastic paraplegia. Identifiers: MedGen C0037772, HP:0001258.

Allele frequency attached by ClinVar (database versions not stated): gnomAD exomes 0.00008; ExAC 0.00011; ESP Exome Variant Server 0.00015; 1000 Genomes Project 30x 0.00016; 1000 Genomes Project 0.00020; TOPMed 0.00034.

Submissions (2):

Ambry Genetics
Classification: Uncertain significance. Last evaluated: 2025-10-22. Review status: criteria provided, single submitter. Criteria: Ambry Variant Classification Scheme 2023. Collection method: clinical testing. Allele origin: germline.

Labcorp Genetics (formerly Invitae), Labcorp
Classification: Uncertain significance for Spastic paraplegia. Last evaluated: 2024-10-07. Review status: criteria provided, single submitter. Criteria: Invitae Variant Classification Sherloc (09022015). Collection method: clinical testing. Allele origin: germline.
Comment: This sequence change replaces arginine, which is basic and polar, with histidine, which is basic and polar, at codon 283 of the ARSI protein (p.Arg283His). This variant is present in population databases (rs149948064, gnomAD 0.08%), and has an allele count higher than expected for a pathogenic variant. This variant has not been reported in the literature in individuals affected with ARSI-related conditions. ClinVar contains an entry for this variant (Variation ID: 959793). Invitae Evidence Modeling of protein sequence and biophysical properties (such as structural, functional, and spatial information, amino acid conservation, physicochemical variation, residue mobility, and thermodynamic stability) indicates that this missense variant is not expected to disrupt ARSI protein function with a negative predictive value of 80%. In summary, the available evidence is currently insufficient to determine the role of this variant in disease. Therefore, it has been classified as a Variant of Uncertain Significance.